The following is an entry in ClinVar:

NM_001190274.2(FBXO11):c.290G>T (p.Ser97Ile)

Gene: FBXO11 (F-box protein 11; minus strand). Cytogenetic location: 2p16.3.
Variant type: single nucleotide variant.
Coding change: c.290G>T on transcript NM_001190274.2 (MANE Select); coding-DNA position 290, G replaced by T.
Protein change: p.Ser97Ile; replaces serine 97 with isoleucine.
Molecular consequence: missense variant.
Genome position (GRCh38, 1-based): chr2:47,839,712, C>A on the plus strand (G>T on the coding strand, the complement: FBXO11 is on the minus strand). VCF-style: chr2-47839712-C-A. GRCh37 (hg19) VCF-style: chr2-48066851-C-A.
Other names: c.38G>T, p.Ser13Ile (NM_001374325.1, NM_025133.4); short protein forms S13I, S97I.
Identifiers: ClinVar variation 1359805 (VCV001359805.8), dbSNP rs777106251, ClinGen allele CA346813730.

ClinVar aggregate classification (germline): Uncertain significance (1 of 4 stars; one submission).

gnomAD v4.1: 5 of 1,614,112 alleles (0.00031%); highest among the groups gnomAD compares: Non-Finnish European, 0.000085%; no homozygotes.

Submission:

Labcorp Genetics (formerly Invitae), Labcorp
Classification: Uncertain significance. Last evaluated: 2022-07-19. Review status: criteria provided, single submitter. Criteria: Invitae Variant Classification Sherloc (09022015). Collection method: clinical testing. Allele origin: germline.
Comment: In summary, the available evidence is currently insufficient to determine the role of this variant in disease. Therefore, it has been classified as a Variant of Uncertain Significance. Algorithms developed to predict the effect of missense changes on protein structure and function (SIFT, PolyPhen-2, Align-GVGD) all suggest that this variant is likely to be tolerated. ClinVar contains an entry for this variant (Variation ID: 1359805). This variant has not been reported in the literature in individuals affected with FBXO11-related conditions. This variant is not present in population databases (gnomAD no frequency). This sequence change replaces serine, which is neutral and polar, with isoleucine, which is neutral and non-polar, at codon 97 of the FBXO11 protein (p.Ser97Ile).